The following is an entry in ClinVar:

NM_001164508.2(NEB):c.19374delinsAC (p.Asp6459fs)

Gene: NEB (nebulin; minus strand). Cytogenetic location: 2q23.3.
Variant type: Indel.
Coding change: c.19374delinsAC on transcript NM_001164508.2 (MANE Select); coding-DNA position 19374, T replaced by AC.
Protein change: p.Asp6459fs; shifts the reading frame from aspartic acid 6459.
Molecular consequence: frameshift variant.
Genome position (GRCh38, 1-based): chr2:151,554,985, A replaced by GT on the plus strand (T replaced by AC on the coding strand, the reverse complement: NEB is on the minus strand). VCF-style: chr2-151554985-A-GT. GRCh37 (hg19) VCF-style: chr2-152411499-A-GT.
Other names: c.19374delinsAC, p.Asp6459fs (NM_001164507.2, NM_001271208.2); c.14271delinsAC, p.Asp4758fs (NM_004543.5); short protein forms D4758fs, D6459fs.
Identifiers: ClinVar variation 1724676 (VCV001724676.2), dbSNP rs2552185992, ClinGen allele CA2580064104.

ClinVar aggregate classification (germline): Likely pathogenic (1 of 4 stars; one submission).

Conditions:
Nemaline myopathy 2 (NEM2). Also called: Nemaline myopathy 2, autosomal recessive. Identifiers: MedGen C1850569, MONDO:0009725, OMIM 256030.

Submission:

Myriad Genetics, Inc.
Classification: Likely pathogenic for Nemaline myopathy 2. Last evaluated: 2022-02-25. Review status: criteria provided, single submitter. Criteria: Myriad Women's Health Autosomal Recessive and X-Linked Classification Criteria (2021). Collection method: clinical testing. Allele origin: unknown.
Comment: NM_001271208.1(NEB):c.19374delTinsAC(D6459Rfs*3) is expected to be pathogenic in the context of NEB-related nemaline myopathy. This variant is predicted to lead to an abnormal or absent protein product due to the creation of a premature termination codon in NEB, a gene where loss-of-function variants are known to be pathogenic. Please note: this variant was assessed in the context of healthy population screening.